The following is an entry in ClinVar:

ClinVar aggregate classification (germline): Uncertain significance (1 of 4 stars; one submission).

Allele frequency attached by ClinVar (database versions not stated): gnomAD exomes 0.00001; TOPMed below 0.00001; ExAC 0.00002.
gnomAD v4.1: 3 of 1,613,012 alleles (0.00019%); highest among the groups gnomAD compares: Non-Finnish European, 0.00025%; no homozygotes.

Submission:

Labcorp Genetics (formerly Invitae), Labcorp
Classification: Uncertain significance. Last evaluated: 2025-09-02. Review status: criteria provided, single submitter. Criteria: Invitae Variant Classification Sherloc (09022015). Collection method: clinical testing. Allele origin: germline.
Comment: This sequence change replaces glutamic acid, which is acidic and polar, with glycine, which is neutral and non-polar, at codon 44 of the ADAMTSL4 protein (p.Glu44Gly). This variant is present in population databases (rs746529379, gnomAD 0.002%). This variant has not been reported in the literature in individuals affected with ADAMTSL4-related conditions. ClinVar contains an entry for this variant (Variation ID: 2110084). Invitae Evidence Modeling of protein sequence and biophysical properties (such as structural, functional, and spatial information, amino acid conservation, physicochemical variation, residue mobility, and thermodynamic stability) indicates that this missense variant is not expected to disrupt ADAMTSL4 protein function with a negative predictive value of 80%. In summary, the available evidence is currently insufficient to determine the role of this variant in disease. Therefore, it has been classified as a Variant of Uncertain Significance.

NM_019032.6(ADAMTSL4):c.131A>G (p.Glu44Gly)

Genes: ADAMTSL4 (ADAMTS like 4; plus strand), ADAMTSL4-AS2 (ADAMTSL4 antisense RNA 2; minus strand). Cytogenetic location: 1q21.2.
Variant type: single nucleotide variant.
Coding change: c.131A>G on transcript NM_019032.6 (MANE Select); coding-DNA position 131, A replaced by G.
Protein change: p.Glu44Gly; replaces glutamic acid 44 with glycine.
Molecular consequence: missense variant.
Genome position (GRCh38, 1-based): chr1:150,552,950, A>G. VCF-style: chr1-150552950-A-G. GRCh37 (hg19) VCF-style: chr1-150525426-A-G.
Other names: c.131A>G, p.Glu44Gly (NM_001288607.2, NM_001288608.2, NM_001378596.1 and 1 more transcripts); short protein forms E44G.
Identifiers: ClinVar variation 2110084 (VCV002110084.2), dbSNP rs746529379, ClinGen allele CA1077881.
Genomic context (GRCh38, chr1:150,552,950, plus strand): 5'-CTATATAGGTGTTGTCCGGACACTCTCTTCAGACACCTACAGAGGAGGGCCAGGGCCCCG[A>G]AGGTGTCTGGGGACCTTGGGTCCAGTGGGCCTCTTGCTCCCAGCCCTGCGGGGTGGGGGT-3'
Protein context (NP_061905.2, residues 34-54): QTPTEEGQGP[Glu44Gly]GVWGPWVQWA